The following is an entry in ClinVar:

ClinVar aggregate classification (germline): Conflicting classifications of pathogenicity. Review status: criteria provided, conflicting classifications (1 of 4 stars). 3 submissions from 3 submitters: Uncertain significance (1); Benign (1). 1 of the submissions does not count toward it. Last evaluated 2025-08-12.

Conditions:
ARFGEF3-related disorder. Also called: ARFGEF3-related condition.

Allele frequency attached by ClinVar (database versions not stated): 1000 Genomes Project 0.00080; gnomAD 0.00272 and 0.00248; gnomAD exomes 0.00072 and 0.00023; 1000 Genomes Project 30x 0.00109; ExAC 0.00093; ESP Exome Variant Server 0.00284; TOPMed 0.00293.
gnomAD v4.1: 750 of 1,613,746 alleles (0.046%); highest among the groups gnomAD compares: African/African-American, 0.82%; 2 homozygotes.

Submissions (4):

Ambry Genetics
Classification: Uncertain significance. Last evaluated: 2025-08-12. Review status: criteria provided, single submitter. Criteria: Ambry Variant Classification Scheme 2023. Collection method: clinical testing. Allele origin: germline.

Labcorp Genetics (formerly Invitae), Labcorp
Classification: Benign. Last evaluated: 2019-12-31. Review status: criteria provided, single submitter. Criteria: Invitae Variant Classification Sherloc (09022015). Collection method: clinical testing. Allele origin: germline.

PreventionGenetics, part of Exact Sciences
Classification: Benign for ARFGEF3-related condition. Last evaluated: 2019-07-11. Review status: no assertion criteria provided. Collection method: clinical testing. Allele origin: germline. Not counted in ClinVar's aggregate classification.
Comment: This variant is classified as benign based on ACMG/AMP sequence variant interpretation guidelines (Richards et al. 2015 PMID: 25741868, with internal and published modifications).

Dr. Peter K. Rogan Lab, Western University
No classification provided (evidence only). Condition: Thyroid cancer, nonmedullary, 1. Review status: no classification provided. Collection method: in vitro. Allele origin: not applicable. Functional consequence: retained intron. Not counted in ClinVar's aggregate classification.

NM_020340.5(ARFGEF3):c.1394C>G (p.Ala465Gly)

Gene: ARFGEF3 (ARFGEF family member 3; plus strand). Cytogenetic location: 6q23.3.
Variant type: single nucleotide variant.
Coding change: c.1394C>G on transcript NM_020340.5 (MANE Select); coding-DNA position 1394, C replaced by G.
Protein change: p.Ala465Gly; replaces alanine 465 with glycine.
Molecular consequence: missense variant.
Genome position (GRCh38, 1-based): chr6:138,262,877, C>G. VCF-style: chr6-138262877-C-G. GRCh37 (hg19) VCF-style: chr6-138584014-C-G.
Other names: NC_000006.11:g.138584014C>G; short protein forms A465G.
Identifiers: ClinVar variation 718442 (VCV000718442.8), dbSNP rs116596107, ClinGen allele CA4020573.